The following is an entry in ClinVar:

ClinVar aggregate classification (germline): Pathogenic (1 of 4 stars; one submission).

Submission:

Labcorp Genetics (formerly Invitae), Labcorp
Classification: Pathogenic. Last evaluated: 2023-08-29. Review status: criteria provided, single submitter. Criteria: Invitae Variant Classification Sherloc (09022015). Collection method: clinical testing. Allele origin: unknown.
Comment: This variant is a gross deletion of the genomic region encompassing exon(s) 10 of the TMC1 gene. This deletion is out-of-frame, and is expected to create a premature termination codon and result in an absent or disrupted protein product. Loss-of-function variants in TMC1 are known to be pathogenic (PMID: 11850618, 22105175). This variant has not been reported in the literature in individuals affected with TMC1-related conditions. For these reasons, this variant has been classified as Pathogenic.

Literature cited by the submitters: PubMed 11850618; PubMed 22105175.

NC_000009.11:g.(?_75357340)_(75357461_?)del

Gene: TMC1 (transmembrane channel like 1; plus strand). Cytogenetic location: 9q21.13.
Variant type: Deletion.
Identifiers: ClinVar variation 3245390 (VCV003245390.1).